The following is an entry in ClinVar:

ClinVar aggregate classification (germline): Likely benign. Review status: criteria provided, multiple submitters, no conflicts (2 of 4 stars). 3 submissions from 3 submitters: Likely benign (3). Last evaluated 2025-01-11.

Conditions:
Hypertrophic cardiomyopathy. Also called: HYPERTROPHIC MYOCARDIOPATHY. Identifiers: Orphanet 217569, MedGen C0007194, MeSH D002312, MONDO:0005045, HP:0001639.
Cardiomyopathy (CMYO). Also called: Cardiomyopathies. Identifiers: Orphanet 167848, MedGen C0878544, MONDO:0004994, HP:0001638. Inheritance: Various modes of inheritance.

Allele frequency attached by ClinVar (database versions not stated): gnomAD exomes below 0.00001; 1000 Genomes Project 30x 0.00016; 1000 Genomes Project 0.00020.

Submissions (3):

Labcorp Genetics (formerly Invitae), Labcorp
Classification: Likely benign for Hypertrophic cardiomyopathy. Last evaluated: 2025-01-11. Review status: criteria provided, single submitter. Criteria: Invitae Variant Classification Sherloc (09022015). Collection method: clinical testing. Allele origin: germline.

CeGaT Center for Human Genetics Tuebingen
Classification: Likely benign. Last evaluated: 2023-11-01. Review status: criteria provided, single submitter. Criteria: CeGaT Center For Human Genetics Tuebingen Variant Classification Criteria Version 2. Collection method: clinical testing. Allele origin: germline. Affected: yes. Observed: 1 variant allele.
Comment: MYH7: BP4, BP7

Color Diagnostics, LLC DBA Color Health
Classification: Likely benign for Cardiomyopathy. Last evaluated: 2021-02-18. Review status: criteria provided, single submitter. Criteria: ACMG Guidelines, 2015. Collection method: clinical testing. Allele origin: germline.

NM_000257.4(MYH7):c.4449A>G (p.Lys1483=)

Genes: MHRT (myosin heavy chain associated RNA transcript; plus strand), MYH7 (myosin heavy chain 7; minus strand). Cytogenetic location: 14q11.2.
Variant type: single nucleotide variant.
Coding change: c.4449A>G on transcript NM_000257.4 (MANE Select); coding-DNA position 4449, A replaced by G.
Protein change: p.Lys1483=; no amino-acid change (lysine 1483 retained).
Molecular consequence: synonymous variant. On other transcripts: non-coding transcript variant (1).
Genome position (GRCh38, 1-based): chr14:23,417,223, T>C on the plus strand (A>G on the coding strand, the complement: MYH7 is on the minus strand). VCF-style: chr14-23417223-T-C. GRCh37 (hg19) VCF-style: chr14-23886432-T-C.
Identifiers: ClinVar variation 1171895 (VCV001171895.27), dbSNP rs558413189, ClinGen allele CA257811712.